The following is an entry in ClinVar:

NM_133465.4(KIAA1958):c.1590C>T (p.Ile530=)

Gene: KIAA1958 (KIAA1958; plus strand). Cytogenetic location: 9q32.
Variant type: single nucleotide variant.
Coding change: c.1590C>T on transcript NM_133465.4 (MANE Select); coding-DNA position 1590, C replaced by T.
Protein change: p.Ile530=; no amino-acid change (isoleucine 530 retained).
Molecular consequence: synonymous variant. On other transcripts: 3 prime UTR variant (1).
Genome position (GRCh38, 1-based): chr9:112,659,508, C>T. VCF-style: chr9-112659508-C-T. GRCh37 (hg19) VCF-style: chr9-115421788-C-T.
Other names: c.1674C>T, p.Ile558= (NM_001287036.2); c.*233C>T (NM_001287038.2).
Identifiers: ClinVar variation 4823036 (VCV004823036.4).

ClinVar aggregate classification (germline): Likely benign (1 of 4 stars; one submission).

gnomAD v4.1: 14 of 1,613,106 alleles (0.00087%); highest among the groups gnomAD compares: Admixed American, 0.013%; no homozygotes.

Submission:

CeGaT Center for Human Genetics Tuebingen
Classification: Likely benign. Last evaluated: 2026-01-01. Review status: criteria provided, single submitter. Criteria: CeGaT Center For Human Genetics Tuebingen Variant Classification Criteria Version 2. Collection method: clinical testing. Allele origin: germline. Affected: yes. Observed: 1 variant allele.
Comment: KIAA1958: BP4, BP7